The following is an entry in ClinVar:

ClinVar aggregate classification (germline): Uncertain significance (1 of 4 stars; one submission).

Conditions:
Hypertrophic cardiomyopathy. Also called: HYPERTROPHIC MYOCARDIOPATHY. Identifiers: Orphanet 217569, MedGen C0007194, MeSH D002312, MONDO:0005045, HP:0001639.

Submission:

Labcorp Genetics (formerly Invitae), Labcorp
Classification: Uncertain significance for Hypertrophic cardiomyopathy. Last evaluated: 2024-02-03. Review status: criteria provided, single submitter. Criteria: Invitae Variant Classification Sherloc (09022015). Collection method: clinical testing. Allele origin: germline.
Comment: This sequence change replaces glycine, which is neutral and non-polar, with cysteine, which is neutral and slightly polar, at codon 203 of the TNNI3 protein (p.Gly203Cys). This variant is not present in population databases (gnomAD no frequency). This variant has not been reported in the literature in individuals affected with TNNI3-related conditions. An algorithm developed to predict the effect of missense changes on protein structure and function (PolyPhen-2) suggests that this variant is likely to be disruptive. In summary, the available evidence is currently insufficient to determine the role of this variant in disease. Therefore, it has been classified as a Variant of Uncertain Significance.

NM_000363.5(TNNI3):c.607G>T (p.Gly203Cys)

Gene: TNNI3 (troponin I3, cardiac type; minus strand). Cytogenetic location: 19q13.42.
Variant type: single nucleotide variant.
Coding change: c.607G>T on transcript NM_000363.5 (MANE Select); coding-DNA position 607, G replaced by T.
Protein change: p.Gly203Cys; replaces glycine 203 with cysteine.
Molecular consequence: missense variant.
Genome position (GRCh38, 1-based): chr19:55,151,860, C>A on the plus strand (G>T on the coding strand, the complement: TNNI3 is on the minus strand). VCF-style: chr19-55151860-C-A. GRCh37 (hg19) VCF-style: chr19-55663228-C-A.
Other names: short protein forms G203C.
Identifiers: ClinVar variation 3637304 (VCV003637304.2).